The following is an entry in ClinVar:

NM_174936.4(PCSK9):c.1002C>G (p.Ile334Met)

Gene: PCSK9 (proprotein convertase subtilisin/kexin type 9; plus strand). Cytogenetic location: 1p32.3.
Variant type: single nucleotide variant.
Coding change: c.1002C>G on transcript NM_174936.4 (MANE Select); coding-DNA position 1002, C replaced by G.
Protein change: p.Ile334Met; replaces isoleucine 334 with methionine.
Molecular consequence: missense variant.
Genome position (GRCh38, 1-based): chr1:55,057,336, C>G. VCF-style: chr1-55057336-C-G. GRCh37 (hg19) VCF-style: chr1-55523009-C-G.
Other names: c.1125C>G, p.Ile375Met (NM_001407240.1); c.1002C>G, p.Ile334Met (NM_001407241.1, NM_001407244.1, NM_001407247.1); c.1005C>G, p.Ile335Met (NM_001407242.1); c.945C>G, p.Ile315Met (NM_001407243.1); c.810C>G, p.Ile270Met (NM_001407245.1); c.627C>G, p.Ile209Met (NM_001407246.1); short protein forms I334M, I209M, I270M, I335M, I315M, I375M.
Identifiers: ClinVar variation 925173 (VCV000925173.6), dbSNP rs1252162207, ClinGen allele CA340476304.

ClinVar aggregate classification (germline): Uncertain significance (1 of 4 stars; one submission).

Conditions:
Familial hypercholesterolemia. Also called: Familial hypercholesterolaemia. Identifiers: MedGen C0020445, MONDO:0005439.

Submission:

Color Diagnostics, LLC DBA Color Health
Classification: Uncertain significance for Familial hypercholesterolemia. Last evaluated: 2023-12-05. Review status: criteria provided, single submitter. Criteria: ACMG Guidelines, 2015. Collection method: clinical testing. Allele origin: germline.
Comment: Variant of Uncertain Significance due to insufficient evidence: This missense variant is located in the catalytic peptidase domain of the PCSK9 protein. Computational prediction tools and conservation analyses are inconclusive regarding the impact of this variant on the protein function. Computational splicing tools suggest that this variant may not impact RNA splicing. To our knowledge, functional assays have not been performed for this variant nor has this variant been reported in individuals affected with familial hypercholesterolemia in the literature. This variant is rare in the general population and has been identified in 0/277264 chromosomes by the Genome Aggregation Database (gnomAD). Available evidence is insufficient to determine the pathogenicity of this variant conclusively.